The following is an entry in ClinVar:

ClinVar aggregate classification (germline): Uncertain significance (1 of 4 stars; one submission).

Submission:

Labcorp Genetics (formerly Invitae), Labcorp
Classification: Uncertain significance. Last evaluated: 2025-01-11. Review status: criteria provided, single submitter. Criteria: Invitae Variant Classification Sherloc (09022015). Collection method: clinical testing. Allele origin: germline.
Comment: This sequence change replaces threonine, which is neutral and polar, with isoleucine, which is neutral and non-polar, at codon 315 of the WNT5A protein (p.Thr315Ile). This variant is not present in population databases (gnomAD no frequency). This variant has not been reported in the literature in individuals affected with WNT5A-related conditions. Invitae Evidence Modeling of protein sequence and biophysical properties (such as structural, functional, and spatial information, amino acid conservation, physicochemical variation, residue mobility, and thermodynamic stability) indicates that this missense variant is not expected to disrupt WNT5A protein function with a negative predictive value of 80%. In summary, the available evidence is currently insufficient to determine the role of this variant in disease. Therefore, it has been classified as a Variant of Uncertain Significance.

NM_003392.7(WNT5A):c.944C>T (p.Thr315Ile)

Gene: WNT5A (Wnt family member 5A; minus strand). Cytogenetic location: 3p14.3.
Variant type: single nucleotide variant.
Coding change: c.944C>T on transcript NM_003392.7 (MANE Select); coding-DNA position 944, C replaced by T.
Protein change: p.Thr315Ile; replaces threonine 315 with isoleucine.
Molecular consequence: missense variant.
Genome position (GRCh38, 1-based): chr3:55,470,291, G>A on the plus strand (C>T on the coding strand, the complement: WNT5A is on the minus strand). VCF-style: chr3-55470291-G-A. GRCh37 (hg19) VCF-style: chr3-55504319-G-A.
Other names: c.899C>T, p.Thr300Ile (NM_001256105.1, NM_001377271.1, NM_001377272.1); short protein forms T300I, T315I.
Identifiers: ClinVar variation 3670541 (VCV003670541.2).